The following is an entry in ClinVar:

NM_001165963.4(SCN1A):c.4870C>T (p.Leu1624=)

Genes: SCN1A (sodium voltage-gated channel alpha subunit 1; minus strand), LOC102724058 (uncharacterized LOC102724058; plus strand). Cytogenetic location: 2q24.3.
Variant type: single nucleotide variant.
Coding change: c.4870C>T on transcript NM_001165963.4 (MANE Select); coding-DNA position 4870, C replaced by T.
Protein change: p.Leu1624=; no amino-acid change (leucine 1624 retained).
Molecular consequence: synonymous variant. On other transcripts: non-coding transcript variant (1).
Genome position (GRCh38, 1-based): chr2:165,992,405, G>A on the plus strand (C>T on the coding strand, the complement: SCN1A is on the minus strand). VCF-style: chr2-165992405-G-A. GRCh37 (hg19) VCF-style: chr2-166848915-G-A.
Other names: c.4786C>T, p.Leu1596= (NM_001165964.3, NM_001353957.2, NM_001353958.2); c.4870C>T, p.Leu1624= (NM_001202435.3, NM_001353948.2); c.4837C>T, p.Leu1613= (NM_001353949.2, NM_001353950.2, NM_001353951.2 and 2 more transcripts); c.4834C>T, p.Leu1612= (NM_001353954.2, NM_001353955.2); c.4783C>T, p.Leu1595= (NM_001353960.2); c.2428C>T, p.Leu810= (NM_001353961.2).
Identifiers: ClinVar variation 516618 (VCV000516618.1), dbSNP rs1553520513, ClinGen allele CA429902482.

ClinVar aggregate classification (germline): Likely benign (1 of 4 stars; one submission).

Submission:

GeneDx
Classification: Likely benign. Last evaluated: 2017-02-20. Review status: criteria provided, single submitter. Criteria: GeneDx Variant Classification (06012015). Collection method: clinical testing. Allele origin: germline. Affected: yes.
Comment: This variant is considered likely benign or benign based on one or more of the following criteria: it is a conservative change, it occurs at a poorly conserved position in the protein, it is predicted to be benign by multiple in silico algorithms, and/or has population frequency not consistent with disease.